The following is an entry in ClinVar:

ClinVar aggregate classification (germline): Likely pathogenic (1 of 4 stars; one submission).

Conditions:
Leigh syndrome (NULS). Also called: Subacute necrotizing encephalopathy; Necrotizing encephalopathy infantile subacute of Leigh; Leigh Syndrome (mtDNA deletion); Leigh Disease; Leigh's necrotizing encephalopathy; Leigh's disease. Identifiers: Orphanet 506, MedGen C2931891, MONDO:0009723, OMIM 256000.

Submission:

Broad Center for Mendelian Genomics, Broad Institute of MIT and Harvard
Classification: Likely pathogenic for Leigh syndrome. Last evaluated: 2018-06-15. Review status: criteria provided, single submitter. Criteria: ACMG Guidelines, 2015. Collection method: research. Allele origin: germline. Inheritance: Autosomal recessive inheritance. Affected: yes.
Comment: This variant was absent from large population studies and computational prediction tools suggest that this variant may impact the protein. Loss of function of the SURF1 gene is an established disease mechanism in autosomal recessive Leigh syndrome, and this is a loss of function variant. In summary, although additional studies are required to fully establish its pathogenicity, this variant is likely pathogenic.

NM_003172.4(SURF1):c.504C>A (p.Cys168Ter)

Gene: SURF1 (SURF1 cytochrome c oxidase assembly factor; minus strand). Cytogenetic location: 9q34.2.
Variant type: single nucleotide variant.
Coding change: c.504C>A on transcript NM_003172.4 (MANE Select); coding-DNA position 504, C replaced by A.
Protein change: p.Cys168Ter; replaces cysteine 168 with a stop codon.
Molecular consequence: nonsense.
Genome position (GRCh38, 1-based): chr9:133,353,760, G>T on the plus strand (C>A on the coding strand, the complement: SURF1 is on the minus strand). VCF-style: chr9-133353760-G-T. GRCh37 (hg19) VCF-style: chr9-136220615-G-T.
Other names: c.177C>A, p.Cys59Ter (NM_001280787.1); short protein forms C168*, C59*.
Identifiers: ClinVar variation 635073 (VCV000635073.1), dbSNP rs1564349087, ClinGen allele CA375694143.